The following is an entry in ClinVar:

NM_002474.3(MYH11):c.889+3A>G

Gene: MYH11 (myosin heavy chain 11; minus strand). Cytogenetic location: 16p13.11.
Variant type: single nucleotide variant.
Coding change: c.889+3A>G on transcript NM_002474.3 (MANE Select); 3 bases into the intron after coding-DNA position 889, A replaced by G.
Molecular consequence: intron variant.
Genome position (GRCh38, 1-based): chr16:15,776,075, T>C on the plus strand (A>G on the coding strand, the complement: MYH11 is on the minus strand). VCF-style: chr16-15776075-T-C. GRCh37 (hg19) VCF-style: chr16-15869932-T-C.
Other names: c.889+3A>G (NM_022844.3); c.910+3A>G (NM_001040114.2, NM_001040113.2).
Identifiers: ClinVar variation 3387251 (VCV003387251.1).

ClinVar aggregate classification (germline): Uncertain significance (1 of 4 stars; one submission).

Conditions:
Familial thoracic aortic aneurysm and aortic dissection (TAAD). Also called: Thoracic aortic aneurysms and dissections. Identifiers: Orphanet 91387, MedGen C4707243, MONDO:0019625.

Submission:

All of Us Research Program, National Institutes of Health
Classification: Uncertain significance for Familial thoracic aortic aneurysm and aortic dissection. Last evaluated: 2024-07-20. Review status: criteria provided, single submitter. Criteria: ACMG Guidelines, 2015. Collection method: clinical testing. Allele origin: germline. Inheritance: Autosomal dominant inheritance. Observed: 1 variant allele, 1 heterozygote.
Comment: This variant causes an A to G nucleotide substitution at the +3 position of intron 9 of the MYH11 gene. To our knowledge, functional studies have not been reported for this variant. This variant has not been reported in individuals affected with MYH11-related disorders in the literature. This variant has been identified in 2/251460 chromosomes in the general population by the Genome Aggregation Database (gnomAD). The available evidence is insufficient to determine the role of this variant in disease conclusively. Therefore, this variant is classified as a Variant of Uncertain Significance.

This study involves interpretation of variants in research participants for the purpose of population health screening. Participant phenotype was not available at the time of variant classification. Additional details can be found in publication PMID: 35346344, PMCID: PMC8962531